The following is an entry in ClinVar:

NM_001903.5(CTNNA1):c.1232G>A (p.Gly411Glu)

Gene: CTNNA1 (catenin alpha 1; plus strand). Cytogenetic location: 5q31.2.
Variant type: single nucleotide variant.
Coding change: c.1232G>A on transcript NM_001903.5 (MANE Select); coding-DNA position 1232, G replaced by A.
Protein change: p.Gly411Glu; replaces glycine 411 with glutamic acid.
Molecular consequence: missense variant. On other transcripts: 5 prime UTR variant (5), intron variant (2).
Genome position (GRCh38, 1-based): chr5:138,887,578, G>A. VCF-style: chr5-138887578-G-A. GRCh37 (hg19) VCF-style: chr5-138223267-G-A.
Other names: c.1232G>A, p.Gly411Glu (NM_001290307.3, NM_001323982.2, NM_001323983.1 and 3 more transcripts); c.923G>A, p.Gly308Glu (NM_001290309.3); c.863G>A, p.Gly288Glu (NM_001290310.3); c.122G>A, p.Gly41Glu (NM_001290312.1, NM_001323987.1, NM_001323988.1 and 18 more transcripts); c.-276G>A (NM_001324006.1, NM_001324007.1, NM_001324008.1 and 1 more transcripts); c.-151G>A (NM_001324013.1); c.-58+11981G>A (NM_001324012.1); c.-61+11981G>A (NM_001324010.1); short protein forms G41E, G288E, G411E, G308E.
Identifiers: ClinVar variation 4007972 (VCV004007972.1).
Genomic context (GRCh38, chr5:138,887,578, plus strand): 5'-CAGATTCTTTCCTGGAAACCAATGTTCCACTTTTGGTATTGATTGAAGCTGCAAAGAATG[G>A]AAATGAGAAAGAAGTTAAGGAGTATGCCCAAGTTTTCCGTGAACATGCCAACAAATTGAT-3'
Protein context (NP_001894.2, residues 401-421): LLVLIEAAKN[Gly411Glu]NEKEVKEYAQ

ClinVar aggregate classification (germline): Uncertain significance (1 of 4 stars; one submission).

Conditions:
Hereditary cancer-predisposing syndrome. Also called: Tumor predisposition; Hereditary neoplastic syndrome; Neoplastic Syndromes, Hereditary; Hereditary Cancer Syndrome. Identifiers: Orphanet 140162, MedGen C0027672, MeSH D009386, MONDO:0015356.

Submission:

Ambry Genetics
Classification: Uncertain significance for Hereditary cancer-predisposing syndrome. Last evaluated: 2025-04-03. Review status: criteria provided, single submitter. Criteria: Ambry Variant Classification Scheme 2023. Collection method: clinical testing. Allele origin: germline.
Comment: The p.G411E variant (also known as c.1232G>A), located in coding exon 8 of the CTNNA1 gene, results from a G to A substitution at nucleotide position 1232. The glycine at codon 411 is replaced by glutamic acid, an amino acid with similar properties. This amino acid position is conserved. In addition, this alteration is predicted to be deleterious by in silico analysis. Based on the available evidence, the clinical significance of this variant remains unclear.